The following is an entry in ClinVar:

ClinVar aggregate classification (germline): Pathogenic (1 of 4 stars; one submission).

Allele frequency attached by ClinVar (database versions not stated): gnomAD 0.00001.
gnomAD v4.1: 1 of 1,613,662 alleles (0.000062%); highest among the groups gnomAD compares: African/African-American, 0.0013%; no homozygotes.

Submission:

Labcorp Genetics (formerly Invitae), Labcorp
Classification: Pathogenic. Last evaluated: 2025-01-03. Review status: criteria provided, single submitter. Criteria: Invitae Variant Classification Sherloc (09022015). Collection method: clinical testing. Allele origin: germline.
Comment: This sequence change creates a premature translational stop signal (p.Gln519*) in the RP1 gene. While this is not anticipated to result in nonsense mediated decay, it is expected to disrupt the last 1638 amino acid(s) of the RP1 protein. This variant is not present in population databases (gnomAD no frequency). This premature translational stop signal has been observed in individual(s) with inherited retinal dystrophy (PMID: 32037395). ClinVar contains an entry for this variant (Variation ID: 964049). This variant disrupts the C-terminus of the RP1 protein. Many variants that disrupt this region have been reported in individuals with either autosomal dominant or autosomal recessive retinitis pigmentosa (PMID: 11527933, 19933189, 29425069, 30027431, 33681214). Therefore, variants that disrupt this region are expected to be disease-causing. For these reasons, this variant has been classified as Pathogenic.

Literature cited by the submitters: PubMed 32037395; PubMed 11527933; PubMed 19933189; PubMed 29425069; PubMed 30027431; PubMed 33681214.

NM_006269.2(RP1):c.1555C>T (p.Gln519Ter)

Gene: RP1 (RP1 axonemal microtubule associated; plus strand). Cytogenetic location: 8q12.1.
Variant type: single nucleotide variant.
Coding change: c.1555C>T on transcript NM_006269.2 (MANE Select); coding-DNA position 1555, C replaced by T.
Protein change: p.Gln519Ter; replaces glutamine 519 with a stop codon.
Molecular consequence: nonsense. On other transcripts: intron variant (1).
Genome position (GRCh38, 1-based): chr8:54,625,437, C>T. VCF-style: chr8-54625437-C-T. GRCh37 (hg19) VCF-style: chr8-55537997-C-T.
Other names: c.787+3149C>T (NM_001375654.1); short protein forms Q519*.
Identifiers: ClinVar variation 964049 (VCV000964049.9), dbSNP rs1554519459, ClinGen allele CA370990773.